The following is an entry in ClinVar:

ClinVar aggregate classification (germline): Pathogenic (1 of 4 stars; one submission).

Conditions:
Hereditary cancer-predisposing syndrome. Also called: Neoplastic Syndromes, Hereditary; Tumor predisposition; Hereditary neoplastic syndrome; Hereditary Cancer Syndrome. Identifiers: Orphanet 140162, MedGen C0027672, MeSH D009386, MONDO:0015356.
Cardiovascular phenotype. Identifiers: MedGen CN230736.

Submission:

Ambry Genetics
Classification: Pathogenic for Cardiovascular phenotype; Hereditary cancer-predisposing syndrome. Last evaluated: 2023-06-26. Review status: criteria provided, single submitter. Criteria: Ambry Variant Classification Scheme 2023. Collection method: clinical testing. Allele origin: germline.
Comment: The c.1902_1959dup58 pathogenic mutation, located in coding exon 17 of the NF1 gene, results from a duplication of 58 nucleotides at nucleotide position 1902, causing a translational frameshift with a predicted alternate stop codon (p.P654Sfs*3). This variant is considered to be rare based on population cohorts in the Genome Aggregation Database (gnomAD). This alteration is expected to result in loss of function by premature protein truncation or nonsense-mediated mRNA decay. As such, this alteration is interpreted as a disease-causing mutation.

NM_001042492.3(NF1):c.1902_1959dup (p.Pro654delinsSerPheTer)

Gene: NF1 (neurofibromin 1; plus strand). Cytogenetic location: 17q11.2.
Variant type: Duplication.
Coding change: c.1902_1959dup on transcript NM_001042492.3 (MANE Select); coding-DNA positions 1902 to 1959, 58 bases duplicated.
Protein change: p.Pro654delinsSerPheTer.
Molecular consequence: nonsense. On other transcripts: frameshift variant (1).
Genome position (GRCh38, 1-based): chr17:31,225,151-31,225,208, 58 bases duplicated. GRCh37 (hg19): chr17:29,552,169-29,552,226.
Other names: c.1902_1959dupTCCTTCTAGTGGAAATACCAGTCAAATGTCCATGGATCATGAAGAATTACTACGTACT (NM_000267.3); c.1902_1959dup, p.Pro654Serfs (NM_000267.4).
Identifiers: ClinVar variation 3238453 (VCV003238453.1), dbSNP rs2508141172.